The following is an entry in ClinVar:

NM_001379200.1(TBX1):c.166C>T (p.Pro56Ser)

Gene: TBX1 (T-box transcription factor 1; plus strand). Cytogenetic location: 22q11.21.
Variant type: single nucleotide variant.
Coding change: c.166C>T on transcript NM_001379200.1 (MANE Select); coding-DNA position 166, C replaced by T.
Protein change: p.Pro56Ser; replaces proline 56 with serine.
Molecular consequence: missense variant.
Genome position (GRCh38, 1-based): chr22:19,761,009, C>T. VCF-style: chr22-19761009-C-T. GRCh37 (hg19) VCF-style: chr22-19748532-C-T.
Other names: c.139C>T, p.Pro47Ser (NM_005992.1, NM_080646.2, NM_080647.1); short protein forms P56S, P47S.
Identifiers: ClinVar variation 2904397 (VCV002904397.4), dbSNP rs1936639927, ClinGen allele CA410681287.

ClinVar aggregate classification (germline): Uncertain significance. Review status: criteria provided, multiple submitters, no conflicts (2 of 4 stars). 2 submissions from 2 submitters: Uncertain significance (2). Last evaluated 2026-07-23.

Conditions:
DiGeorge syndrome. Also called: Catch22; THIRD AND FOURTH PHARYNGEAL POUCH SYNDROME. Identifiers: Orphanet 567, MedGen C0012236, MONDO:0008564, OMIM 188400.
Cardiovascular phenotype. Identifiers: MedGen CN230736.

Allele frequency attached by ClinVar (database versions not stated): gnomAD 0.00001; TOPMed below 0.00001.

Submissions (2):

Ambry Genetics
Classification: Uncertain significance for Cardiovascular phenotype. Last evaluated: 2026-07-23. Review status: criteria provided, single submitter. Criteria: Ambry Variant Classification Scheme 2023. Collection method: clinical testing. Allele origin: germline.

Labcorp Genetics (formerly Invitae), Labcorp
Classification: Uncertain significance for DiGeorge syndrome. Last evaluated: 2025-11-19. Review status: criteria provided, single submitter. Criteria: Invitae Variant Classification Sherloc (09022015). Collection method: clinical testing. Allele origin: germline.
Comment: This sequence change replaces proline, which is neutral and non-polar, with serine, which is neutral and polar, at codon 47 of the TBX1 protein (p.Pro47Ser). The frequency data for this variant in the population databases is considered unreliable, as metrics indicate insufficient coverage at this position in the gnomAD database. This variant has not been reported in the literature in individuals affected with TBX1-related conditions. ClinVar contains an entry for this variant (Variation ID: 2904397). Invitae Evidence Modeling of protein sequence and biophysical properties (such as structural, functional, and spatial information, amino acid conservation, physicochemical variation, residue mobility, and thermodynamic stability) indicates that this missense variant is not expected to disrupt TBX1 protein function with a negative predictive value of 80%. In summary, the available evidence is currently insufficient to determine the role of this variant in disease. Therefore, it has been classified as a Variant of Uncertain Significance.